The following is an entry in ClinVar:

ClinVar aggregate classification (germline): Uncertain significance. Review status: criteria provided, multiple submitters, no conflicts (2 of 4 stars). 4 submissions from 4 submitters: Uncertain significance (4). Last evaluated 2025-10-07.

Conditions:
Familial adenomatous polyposis 3. Also called: NTHL1-Related Adenomatous Polyposis and Colorectal Cancer; NTHL1 Tumor Syndrome; NTHL1-associated polyposis; NTHL1-related attenuated familial adenomatous polyposis. Identifiers: Orphanet 220460, Orphanet 454840, MedGen C4225157, MONDO:0014630, OMIM 616415.
Hereditary cancer-predisposing syndrome. Also called: Tumor predisposition; Hereditary Cancer Syndrome; Neoplastic Syndromes, Hereditary; Hereditary neoplastic syndrome. Identifiers: Orphanet 140162, MedGen C0027672, MeSH D009386, MONDO:0015356.

Allele frequency attached by ClinVar (database versions not stated): gnomAD exomes below 0.00001.
gnomAD v4.1: 2 of 1,613,192 alleles (0.00012%); highest among the groups gnomAD compares: Admixed American, 0.0033%; no homozygotes.

Submissions (4):

Labcorp Genetics (formerly Invitae), Labcorp
Classification: Uncertain significance. Last evaluated: 2025-10-07. Review status: criteria provided, single submitter. Criteria: Invitae Variant Classification Sherloc (09022015). Collection method: clinical testing. Allele origin: germline.
Comment: This sequence change replaces glutamic acid, which is acidic and polar, with glutamine, which is neutral and polar, at codon 69 of the NTHL1 protein (p.Glu69Gln). This variant is present in population databases (no rsID available, gnomAD 0.003%). This variant has not been reported in the literature in individuals affected with NTHL1-related conditions. ClinVar contains an entry for this variant (Variation ID: 951829). An algorithm developed to predict the effect of missense changes on protein structure and function (PolyPhen-2) suggests that this variant is likely to be disruptive. In summary, the available evidence is currently insufficient to determine the role of this variant in disease. Therefore, it has been classified as a Variant of Uncertain Significance.

Ambry Genetics
Classification: Uncertain significance for Hereditary cancer-predisposing syndrome. Last evaluated: 2025-05-11. Review status: criteria provided, single submitter. Criteria: Ambry Variant Classification Scheme 2023. Collection method: clinical testing. Allele origin: germline.
Comment: The p.E69Q variant (also known as c.205G>C), located in coding exon 2 of the NTHL1 gene, results from a G to C substitution at nucleotide position 205. The glutamic acid at codon 69 is replaced by glutamine, an amino acid with highly similar properties. This amino acid position is highly conserved in available vertebrate species. In addition, this alteration is predicted to be tolerated by in silico analysis. Since supporting evidence is limited at this time, the clinical significance of this alteration remains unclear.

Baylor Genetics
Classification: Uncertain significance for Familial adenomatous polyposis 3. Last evaluated: 2024-02-09. Review status: criteria provided, single submitter. Criteria: ACMG Guidelines, 2015. Collection method: clinical testing. Allele origin: unknown.

GeneDx
Classification: Uncertain significance. Last evaluated: 2020-01-21. Review status: criteria provided, single submitter. Criteria: GeneDx Variant Classification Process June 2021. Collection method: clinical testing. Allele origin: germline. Affected: yes.
Comment: Not observed at a significant frequency in large population cohorts (Lek 2016); In silico analysis, which includes protein predictors and evolutionary conservation, supports that this variant does not alter protein structure/function; Has not been previously published as pathogenic or benign to our knowledge

NM_002528.7(NTHL1):c.181G>C (p.Glu61Gln)

Gene: NTHL1 (nth like DNA glycosylase 1; minus strand). Cytogenetic location: 16p13.3.
Variant type: single nucleotide variant.
Coding change: c.181G>C on transcript NM_002528.7 (MANE Select); coding-DNA position 181, G replaced by C.
Protein change: p.Glu61Gln; replaces glutamic acid 61 with glutamine.
Molecular consequence: missense variant. On other transcripts: initiator codon variant (1).
Genome position (GRCh38, 1-based): chr16:2,046,301, C>G on the plus strand (G>C on the coding strand, the complement: NTHL1 is on the minus strand). VCF-style: chr16-2046301-C-G. GRCh37 (hg19) VCF-style: chr16-2096302-C-G.
Other names: c.181G>C, p.Glu61Gln (NM_001318193.2); c.3G>C, p.Met1Ile (NM_001318194.2); short protein forms E61Q, M1I.
Identifiers: ClinVar variation 951829 (VCV000951829.16), dbSNP rs1429511641, ClinGen allele CA394297739.